The following is an entry in ClinVar:

ClinVar aggregate classification (germline): Conflicting classifications of pathogenicity. Review status: criteria provided, conflicting classifications (1 of 4 stars). 6 submissions from 6 submitters: Uncertain significance (5); Likely benign (1). Last evaluated 2025-12-31.

Conditions:
Catecholaminergic polymorphic ventricular tachycardia (CVPT). Also called: Catecholamine-induced polymorphic ventricular tachycardia. Identifiers: Orphanet 3286, MedGen C5574922, MONDO:0017990.
Cardiomyopathy (CMYO). Also called: Cardiomyopathies. Identifiers: Orphanet 167848, MedGen C0878544, MONDO:0004994, HP:0001638. Inheritance: Various modes of inheritance.
Cardiovascular phenotype. Identifiers: MedGen CN230736.
Catecholaminergic polymorphic ventricular tachycardia 1. Also called: RYR2-Related Catecholaminergic Polymorphic Ventricular Tachycardia; VENTRICULAR TACHYCARDIA, CATECHOLAMINERGIC POLYMORPHIC, 1, WITH OR WITHOUT ATRIAL DYSFUNCTION AND/OR DILATED CARDIOMYOPATHY; VENTRICULAR TACHYCARDIA, STRESS-INDUCED POLYMORPHIC 1. Identifiers: Orphanet 3286, MedGen C1631597, MONDO:0011484, OMIM 604772.

Allele frequency attached by ClinVar (database versions not stated): ExAC 0.00001; gnomAD exomes 0.00001 and 0.00005; gnomAD 0.00002; TOPMed 0.00002; ESP Exome Variant Server 0.00008.
gnomAD v4.1: 78 of 1,611,412 alleles (0.0048%); highest among the groups gnomAD compares: Non-Finnish European, 0.0063%; no homozygotes.

Submissions (6):

Labcorp Genetics (formerly Invitae), Labcorp
Classification: Likely benign for Catecholaminergic polymorphic ventricular tachycardia 1. Last evaluated: 2025-12-31. Review status: criteria provided, single submitter. Criteria: Invitae Variant Classification Sherloc (09022015). Collection method: clinical testing. Allele origin: germline.

Color Diagnostics, LLC DBA Color Health
Classification: Uncertain significance for Cardiomyopathy. Last evaluated: 2025-03-31. Review status: criteria provided, single submitter. Criteria: ACMG Guidelines, 2015. Collection method: clinical testing. Allele origin: germline.
Comment: This missense variant replaces histidine with glutamine at codon 2486 of the RYR2 protein. Computational prediction tool is inconclusive regarding the impact of this variant on protein structure and function. To our knowledge, functional studies have not been reported for this variant. This variant has been reported in two individuals affected with sudden cardiac death (PMID: 31337358, 31534214); one of these individuals also carried a likely pathogenic missense variant in the TNNI3 gene (PMID: 31534214). This variant has been identified in 3/276152 chromosomes in the general population by the Genome Aggregation Database (gnomAD). The available evidence is insufficient to determine the role of this variant in disease conclusively. Therefore, this variant is classified as a Variant of Uncertain Significance.

Ambry Genetics
Classification: Uncertain significance for Cardiovascular phenotype. Last evaluated: 2025-02-07. Review status: criteria provided, single submitter. Criteria: Ambry Variant Classification Scheme 2023. Collection method: clinical testing. Allele origin: germline.
Comment: The p.H2486Q variant (also known as c.7458T>G), located in coding exon 49 of the RYR2 gene, results from a T to G substitution at nucleotide position 7458. The histidine at codon 2486 is replaced by glutamine, an amino acid with highly similar properties. This variant has been detected in a sudden death cohort (Raju H et al. BMC Cardiovasc Disord, 2019 Jul;19:174; Lahrouchi N et al. Eur J Hum Genet, 2020 01;28:17-22). This amino acid position is highly conserved in available vertebrate species. In addition, the in silico prediction for this alteration is inconclusive. Based on the available evidence, the clinical significance of this variant remains unclear.

All of Us Research Program, National Institutes of Health
Classification: Uncertain significance for Catecholaminergic polymorphic ventricular tachycardia. Last evaluated: 2024-09-23. Review status: criteria provided, single submitter. Criteria: ACMG Guidelines, 2015. Collection method: clinical testing. Allele origin: germline. Inheritance: Autosomal dominant inheritance. Observed: 12 variant alleles, 12 heterozygotes.
Comment: This missense variant replaces histidine with glutamine at codon 2486 of the RYR2 protein. Computational prediction tools and conservation analyses are inconclusive regarding the impact of this variant on the protein function. Computational splicing tools suggest that this variant may not impact RNA splicing. To our knowledge, functional assays have not been performed for this variant nor has this variant been reported in individuals affected with cardiovascular disorders in the literature. This variant has been identified in 3/276152 chromosomes in the general population by the Genome Aggregation Database (gnomAD). Available evidence is insufficient to determine the role of this variant in disease conclusively. Therefore, this variant is classified as a Variant of Uncertain Significance.

This study involves interpretation of variants in research participants for the purpose of population health screening. Participant phenotype was not available at the time of variant classification. Additional details can be found in publication PMID: 35346344, PMCID: PMC8962531

Women's Health and Genetics/Laboratory Corporation of America, LabCorp
Classification: Uncertain significance. Last evaluated: 2024-06-04. Review status: criteria provided, single submitter. Criteria: LabCorp Variant Classification Summary - May 2015. Collection method: clinical testing. Allele origin: germline.
Comment: Variant summary: RYR2 c.7458T>G (p.His2486Gln) results in a non-conservative amino acid change in the encoded protein sequence. Three of five in-silico tools predict a damaging effect of the variant on protein function. The variant allele was found at a frequency of 8.2e-06 in 244748 control chromosomes (gnomAD). The available data on variant occurrences in the general population are insufficient to allow any conclusion about variant significance. c.7458T>G has been reported in the literature in individuals affected with sudden cardiac death and in clinical whole exome sequencing cohort (Lahrouchi_2020, Landstrom_2017, Raju_2019). These report(s) do not provide unequivocal conclusions about association of the variant with Catecholaminergic Polymorphic Ventricular Tachycardia. To our knowledge, no experimental evidence demonstrating an impact on protein function has been reported. The following publications have been ascertained in the context of this evaluation (PMID: 31534214, 28404607, 31337358, 25041964). ClinVar contains an entry for this variant (Variation ID: 658915). Based on the evidence outlined above, the variant was classified as uncertain significance

GeneDx
Classification: Uncertain significance. Last evaluated: 2021-12-10. Review status: criteria provided, single submitter. Criteria: GeneDx Variant Classification Process June 2021. Collection method: clinical testing. Allele origin: germline. Affected: yes.
Comment: Not observed at significant frequency in large population cohorts (Lek et al., 2016); In silico analysis supports that this missense variant has a deleterious effect on protein structure/function; Located in one of the three hot-spot regions of the RYR2 gene, where the majority of pathogenic missense variants occur (Medeiros-Domingo et al., 2009); Reported in a patient with sudden arrhythmic death syndrome (SADS) (Raju et al., 2019); however, specific clinical information was not provided; This variant is associated with the following publications: (PMID: 19926015, 31534214, 31337358)

Literature cited by the submitters: PubMed 31337358 (cited by 3 submitters); PubMed 31534214 (cited by 3 submitters); PubMed 28404607 (cited by Ambry Genetics and Women's Health and Genetics/Laboratory Corporation of America, LabCorp); PubMed 25041964 (cited by Women's Health and Genetics/Laboratory Corporation of America, LabCorp).

NM_001035.3(RYR2):c.7458T>G (p.His2486Gln)

Gene: RYR2 (ryanodine receptor 2; plus strand). Cytogenetic location: 1q43.
Variant type: single nucleotide variant.
Coding change: c.7458T>G on transcript NM_001035.3 (MANE Select); coding-DNA position 7458, T replaced by G.
Protein change: p.His2486Gln; replaces histidine 2486 with glutamine.
Molecular consequence: missense variant.
Genome position (GRCh38, 1-based): chr1:237,648,559, T>G. VCF-style: chr1-237648559-T-G. GRCh37 (hg19) VCF-style: chr1-237811859-T-G.
Other names: c.7458T>G, p.His2486Gln (LRG_402t1); short protein forms H2486Q.
Identifiers: ClinVar variation 658915 (VCV000658915.22), dbSNP rs377763795, ClinGen allele CA087393.